The following is an entry in ClinVar:

NM_003944.4(SELENBP1):c.985C>T (p.His329Tyr)

Gene: SELENBP1 (selenium binding protein 1; minus strand). Cytogenetic location: 1q21.3.
Variant type: single nucleotide variant.
Coding change: c.985C>T on transcript NM_003944.4 (MANE Select); coding-DNA position 985, C replaced by T.
Protein change: p.His329Tyr; replaces histidine 329 with tyrosine.
Molecular consequence: missense variant.
Genome position (GRCh38, 1-based): chr1:151,365,622, G>A on the plus strand (C>T on the coding strand, the complement: SELENBP1 is on the minus strand). VCF-style: chr1-151365622-G-A. GRCh37 (hg19) VCF-style: chr1-151338098-G-A.
Other names: NM_001258288.1:c.799C>T(p.His267Tyr); NM_001258289.1:c.1111C>T(p.His371Tyr); NM_003944.3:c.985C>T(p.His329Tyr); c.799C>T, p.His267Tyr (NM_001258288.2); c.1111C>T, p.His371Tyr (NM_001258289.2); short protein forms H267Y, H329Y, H371Y.
Identifiers: ClinVar variation 549497 (VCV000549497.2), dbSNP rs1553204840, ClinGen allele CA341957400.

ClinVar aggregate classification (germline): Likely pathogenic. Review status: criteria provided, single submitter (1 of 4 stars). 2 submissions from 2 submitters: Likely pathogenic (1). 1 of the submissions does not count toward it. Last evaluated 2018-04-16.

Conditions:
Extraoral halitosis due to methanethiol oxidase deficiency. Also called: METHANETHIOL OXIDASE DEFICIENCY; MTO DEFICIENCY; EXTRAORAL HALITOSIS WITH DIMETHYLSULFOXIDURIA. Identifiers: Orphanet 562538, MedGen C4748387, MONDO:0029144, OMIM 618148.
Extra oral halitosis.

Submissions (2):

SIB Swiss Institute of Bioinformatics
Classification: Likely pathogenic for Extra oral halitosis. Last evaluated: 2018-04-16. Review status: criteria provided, single submitter. Criteria: ACMG Guidelines, 2015. Collection method: curation. Allele origin: germline.
Comment: This variant is interpreted as a Likely Pathogenic, for Extraoral halitosis, Autosomal Recessive inheritance. The following ACMG Tag(s) were applied: PM2 => Absent from controls (or at extremely low frequency if recessive) in Exome Sequencing Project, 1000 Genomes Project, or Exome Aggregation Consortium. PS3 => Well-established functional studies show a deleterious effect (PMID:29255262).

OMIM
Classification: Pathogenic for EXTRAORAL HALITOSIS DUE TO METHANETHIOL OXIDASE DEFICIENCY. Last evaluated: 2023-04-19. Review status: no assertion criteria provided. Collection method: literature only. Allele origin: germline. Not counted in ClinVar's aggregate classification.

Literature cited by the submitters: PubMed 29255262 (cited by SIB Swiss Institute of Bioinformatics and OMIM).